The following is an entry in ClinVar:

NM_198999.3(SLC26A5):c.636G>T (p.Gly212=)

Gene: SLC26A5 (solute carrier family 26 member 5; minus strand). Cytogenetic location: 7q22.1.
Variant type: single nucleotide variant.
Coding change: c.636G>T on transcript NM_198999.3 (MANE Select); coding-DNA position 636, G replaced by T.
Protein change: p.Gly212=; no amino-acid change (glycine 212 retained).
Molecular consequence: synonymous variant. On other transcripts: non-coding transcript variant (5).
Genome position (GRCh38, 1-based): chr7:103,410,484, C>A on the plus strand (G>T on the coding strand, the complement: SLC26A5 is on the minus strand). VCF-style: chr7-103410484-C-A. GRCh37 (hg19) VCF-style: chr7-103050931-C-A.
Other names: c.636G>T, p.Gly212= (NM_001167962.2, NM_001321787.2, NM_206883.3 and 2 more transcripts).
Identifiers: ClinVar variation 758677 (VCV000758677.6), dbSNP rs770314412, ClinGen allele CA4419747.

ClinVar aggregate classification (germline): Conflicting classifications of pathogenicity. Review status: criteria provided, conflicting classifications (1 of 4 stars). 2 submissions from 2 submitters: Uncertain significance (1); Likely benign (1). Last evaluated 2020-02-26.

Allele frequency attached by ClinVar (database versions not stated): ExAC 0.00001; gnomAD exomes 0.00002; TOPMed 0.00002.
gnomAD v4.1: 11 of 1,614,026 alleles (0.00068%); highest among the groups gnomAD compares: Middle Eastern, 0.017%; no homozygotes.

Submissions (2):

GeneDx
Classification: Uncertain significance. Last evaluated: 2020-02-26. Review status: criteria provided, single submitter. Criteria: GeneDx Variant Classification Process June 2021. Collection method: clinical testing. Allele origin: germline. Affected: yes.
Comment: Has not been previously published as pathogenic or benign to our knowledge; In-silico analysis, which includes splice predictors and evolutionary conservation, is inconclusive as to whether the variant alters gene splicing. In the absence of RNA/functional studies, the actual effect of this sequence change is unknown.

Labcorp Genetics (formerly Invitae), Labcorp
Classification: Likely benign. Last evaluated: 2018-08-14. Review status: criteria provided, single submitter. Criteria: Invitae Variant Classification Sherloc (09022015). Collection method: clinical testing. Allele origin: germline.